The following is an entry in ClinVar:

ClinVar aggregate classification (germline): Pathogenic. Review status: criteria provided, multiple submitters, no conflicts (2 of 4 stars). 2 submissions from 2 submitters: Pathogenic (2). Last evaluated 2025-04-15.

Conditions:
Gorlin syndrome. Also called: Basal cell nevus syndrome; Nevoid Basal Cell Carcinoma Syndrome. Identifiers: Orphanet 377, MedGen C0004779, MONDO:0007187.

Submissions (2):

GeneDx
Classification: Pathogenic. Last evaluated: 2025-04-15. Review status: criteria provided, single submitter. Criteria: GeneDx Variant Classification Process June 2021. Collection method: clinical testing. Allele origin: germline. Affected: yes.
Comment: Nonsense variant predicted to result in protein truncation [or nonsense mediated decay] in a gene for which loss of function is a known mechanism of disease; Not observed at significant frequency in large population cohorts (gnomAD); Reported in an abstract in association with Gorlin syndrome (Musani, V et al., Different types of PTCH1 gene mutations in Gorlin syndrome in Croatia; Periodicum biologorum, 114, S1, 2012. str. 56-56)

Labcorp Genetics (formerly Invitae), Labcorp
Classification: Pathogenic for Gorlin syndrome. Last evaluated: 2018-05-19. Review status: criteria provided, single submitter. Criteria: Invitae Variant Classification Sherloc (09022015). Collection method: clinical testing. Allele origin: germline.
Comment: For these reasons, this variant has been classified as Pathogenic. Loss-of-function variants in PTCH1 are known to be pathogenic (PMID: 16301862, 16419085). This variant has not been reported in the literature in individuals with PTCH1-related disease. ClinVar contains an entry for this variant (Variation ID: 419509). This variant is not present in population databases (ExAC no frequency). This sequence change creates a premature translational stop signal (p.Trp197*) in the PTCH1 gene. It is expected to result in an absent or disrupted protein product.

Literature cited by the submitters: PubMed 16301862 (cited by Labcorp Genetics (formerly Invitae), Labcorp); PubMed 16419085 (cited by Labcorp Genetics (formerly Invitae), Labcorp).

NM_000264.5(PTCH1):c.590G>A (p.Trp197Ter)

Gene: PTCH1 (patched 1; minus strand). Cytogenetic location: 9q22.32.
Variant type: single nucleotide variant.
Coding change: c.590G>A on transcript NM_000264.5 (MANE Select); coding-DNA position 590, G replaced by A.
Protein change: p.Trp197Ter; replaces tryptophan 197 with a stop codon.
Molecular consequence: nonsense. On other transcripts: non-coding transcript variant (1).
Genome position (GRCh38, 1-based): chr9:95,482,198, C>T on the plus strand (G>A on the coding strand, the complement: PTCH1 is on the minus strand). VCF-style: chr9-95482198-C-T. GRCh37 (hg19) VCF-style: chr9-98244480-C-T.
Other names: c.392G>A, p.Trp131Ter (NM_001083602.3, NM_001354919.2); c.587G>A, p.Trp196Ter (NM_001083603.3); c.137G>A, p.Trp46Ter (NM_001083604.3, NM_001083605.3, NM_001083606.3 and 1 more transcripts); c.590G>A, p.Trp197Ter (NM_001354918.2); short protein forms W131*, W197*, W196*, W46*.
Identifiers: ClinVar variation 419509 (VCV000419509.9), dbSNP rs1064793922, ClinGen allele CA16618913.